The following is an entry in ClinVar:

ClinVar aggregate classification (germline): Uncertain significance (1 of 4 stars; one submission).

Submission:

Labcorp Genetics (formerly Invitae), Labcorp
Classification: Uncertain significance. Last evaluated: 2022-07-06. Review status: criteria provided, single submitter. Criteria: Invitae Variant Classification Sherloc (09022015). Collection method: clinical testing. Allele origin: germline.
Comment: This sequence change replaces threonine, which is neutral and polar, with alanine, which is neutral and non-polar, at codon 8 of the CEP19 protein (p.Thr8Ala). This variant is not present in population databases (gnomAD no frequency). This variant has not been reported in the literature in individuals affected with CEP19-related conditions. ClinVar contains an entry for this variant (Variation ID: 1352463). Algorithms developed to predict the effect of missense changes on protein structure and function (SIFT, PolyPhen-2, Align-GVGD) all suggest that this variant is likely to be tolerated. In summary, the available evidence is currently insufficient to determine the role of this variant in disease. Therefore, it has been classified as a Variant of Uncertain Significance.

NM_032898.5(CEP19):c.10A>G (p.Thr4Ala)

Gene: CEP19 (centrosomal protein 19; minus strand). Cytogenetic location: 3q29.
Variant type: single nucleotide variant.
Coding change: c.10A>G on transcript NM_032898.5 (MANE Select); coding-DNA position 10, A replaced by G.
Protein change: p.Thr4Ala; replaces threonine 4 with alanine.
Molecular consequence: missense variant. On other transcripts: intron variant (1).
Genome position (GRCh38, 1-based): chr3:196,708,648, T>C on the plus strand (A>G on the coding strand, the complement: CEP19 is on the minus strand). VCF-style: chr3-196708648-T-C. GRCh37 (hg19) VCF-style: chr3-196435519-T-C.
Other names: c.10A>G, p.Thr4Ala (NM_001379469.1, NM_001379470.1); c.26-736A>G (NM_001379468.1); short protein forms T4A.
Identifiers: ClinVar variation 1352463 (VCV001352463.3), dbSNP rs2108663585, ClinGen allele CA355634990.